The following is an entry in ClinVar:

ClinVar aggregate classification (germline): Uncertain significance. Review status: criteria provided, multiple submitters, no conflicts (2 of 4 stars). 2 submissions from 2 submitters: Uncertain significance (2). Last evaluated 2026-01-12.

Conditions:
Inborn genetic diseases. Identifiers: MedGen C0950123, MeSH D030342.

Allele frequency attached by ClinVar (database versions not stated): ExAC 0.00001; gnomAD exomes 0.00001.
gnomAD v4.1: 10 of 1,614,032 alleles (0.00062%); highest among the groups gnomAD compares: Non-Finnish European, 0.00068%; no homozygotes.

Submissions (2):

Labcorp Genetics (formerly Invitae), Labcorp
Classification: Uncertain significance. Last evaluated: 2026-01-12. Review status: criteria provided, single submitter. Criteria: Invitae Variant Classification Sherloc (09022015). Collection method: clinical testing. Allele origin: germline.
Comment: This sequence change replaces glycine, which is neutral and non-polar, with alanine, which is neutral and non-polar, at codon 89 of the MBD4 protein (p.Gly89Ala). This variant is present in population databases (rs764652373, gnomAD 0.0009%). This variant has not been reported in the literature in individuals affected with MBD4-related conditions. ClinVar contains an entry for this variant (Variation ID: 2798480). An algorithm developed to predict the effect of missense changes on protein structure and function (PolyPhen-2) suggests that this variant is likely to be disruptive. In summary, the available evidence is currently insufficient to determine the role of this variant in disease. Therefore, it has been classified as a Variant of Uncertain Significance.

Ambry Genetics
Classification: Uncertain significance for Inborn genetic diseases. Last evaluated: 2025-01-18. Review status: criteria provided, single submitter. Criteria: Ambry Variant Classification Scheme 2023. Collection method: clinical testing. Allele origin: germline.
Comment: The p.G89A variant (also known as c.266G>C), located in coding exon 2 of the MBD4 gene, results from a G to C substitution at nucleotide position 266. The glycine at codon 89 is replaced by alanine, an amino acid with similar properties. This amino acid position is conserved. In addition, this alteration is predicted to be deleterious by in silico analysis. Based on the available evidence, the clinical significance of this variant remains unclear.

NM_001276270.2(MBD4):c.266G>C (p.Gly89Ala)

Gene: MBD4 (methyl-CpG binding domain 4, DNA glycosylase; minus strand). Cytogenetic location: 3q21.3.
Variant type: single nucleotide variant.
Coding change: c.266G>C on transcript NM_001276270.2 (MANE Select); coding-DNA position 266, G replaced by C.
Protein change: p.Gly89Ala; replaces glycine 89 with alanine.
Molecular consequence: missense variant. On other transcripts: intron variant (1).
Genome position (GRCh38, 1-based): chr3:129,437,789, C>G on the plus strand (G>C on the coding strand, the complement: MBD4 is on the minus strand). VCF-style: chr3-129437789-C-G. GRCh37 (hg19) VCF-style: chr3-129156632-C-G.
Other names: c.266G>C, p.Gly89Ala (NM_001276271.2, NM_001276272.2, NM_003925.3); c.247+19G>C (NM_001276273.2); short protein forms G89A.
Identifiers: ClinVar variation 2798480 (VCV002798480.4), dbSNP rs764652373, ClinGen allele CA2605567.
Genomic context (GRCh38, chr3:129,437,789, plus strand): 5'-TACACATCAAATCTTCCTGCTGTCTTCCCAAATAACCTTTGCTTCACAACTCTTTCCCAT[C>G]CACATGGGACAGACTTACGGCATTCTGTTCCTGCAGTAGCACCAAACTGAGCAGAAGCGA-3'
Protein context (NP_001263199.1, residues 79-99): GTECRKSVPC[Gly89Ala]WERVVKQRLF